The following is an entry in ClinVar:

NM_014795.4(ZEB2):c.3492G>C (p.Glu1164Asp)

Gene: ZEB2 (zinc finger E-box binding homeobox 2; minus strand). Cytogenetic location: 2q22.3.
Variant type: single nucleotide variant.
Coding change: c.3492G>C on transcript NM_014795.4 (MANE Select); coding-DNA position 3492, G replaced by C.
Protein change: p.Glu1164Asp; replaces glutamic acid 1164 with aspartic acid.
Molecular consequence: missense variant.
Genome position (GRCh38, 1-based): chr2:144,389,604, C>G on the plus strand (G>C on the coding strand, the complement: ZEB2 is on the minus strand). VCF-style: chr2-144389604-C-G. GRCh37 (hg19) VCF-style: chr2-145147171-C-G.
Other names: c.3420G>C, p.Glu1140Asp (NM_001171653.2); short protein forms E1140D, E1164D.
Identifiers: ClinVar variation 1521640 (VCV001521640.6), dbSNP rs2149872450, ClinGen allele CA348699176.

ClinVar aggregate classification (germline): Uncertain significance (1 of 4 stars; one submission).

Conditions:
Mowat-Wilson syndrome (MOWS). Also called: Classic Mowat-Wilson Syndrome. Identifiers: Orphanet 2152, MedGen C1856113, MONDO:0009341, OMIM 235730.

Submission:

Labcorp Genetics (formerly Invitae), Labcorp
Classification: Uncertain significance for Mowat-Wilson syndrome. Last evaluated: 2021-09-26. Review status: criteria provided, single submitter. Criteria: Invitae Variant Classification Sherloc (09022015). Collection method: clinical testing. Allele origin: germline.
Comment: This sequence change replaces glutamic acid with aspartic acid at codon 1164 of the ZEB2 protein (p.Glu1164Asp). The glutamic acid residue is highly conserved and there is a small physicochemical difference between glutamic acid and aspartic acid. This variant is not present in population databases (ExAC no frequency). This variant has not been reported in the literature in individuals affected with ZEB2-related conditions. Algorithms developed to predict the effect of missense changes on protein structure and function are either unavailable or do not agree on the potential impact of this missense change (SIFT: "Deleterious"; PolyPhen-2: "Probably Damaging"; Align-GVGD: "Class C0"). In summary, the available evidence is currently insufficient to determine the role of this variant in disease. Therefore, it has been classified as a Variant of Uncertain Significance.